The following is an entry in ClinVar:

ClinVar aggregate classification (germline): Uncertain significance (1 of 4 stars; one submission).

Allele frequency attached by ClinVar (database versions not stated): gnomAD exomes below 0.00001 and 0.00001; ExAC 0.00002.
gnomAD v4.1: 4 of 1,614,002 alleles (0.00025%); highest among the groups gnomAD compares: Non-Finnish European, 0.00017%; no homozygotes.

Submission:

GeneDx
Classification: Uncertain significance. Last evaluated: 2020-02-25. Review status: criteria provided, single submitter. Criteria: GeneDx Variant Classification Process June 2021. Collection method: clinical testing. Allele origin: germline. Affected: yes.
Comment: Has not been previously published as pathogenic or benign to our knowledge; Not observed at a significant frequency in large population cohorts (Lek et al., 2016); In silico analysis, which includes protein predictors and evolutionary conservation, supports a deleterious effect

NM_001365276.2(TNXB):c.2123G>A (p.Gly708Asp)

Gene: TNXB (tenascin XB; minus strand). Cytogenetic location: 6p21.33.
Variant type: single nucleotide variant.
Coding change: c.2123G>A on transcript NM_001365276.2 (MANE Select); coding-DNA position 2123, G replaced by A.
Protein change: p.Gly708Asp; replaces glycine 708 with aspartic acid.
Molecular consequence: missense variant.
Genome position (GRCh38, 1-based): chr6:32,095,730, C>T on the plus strand (G>A on the coding strand, the complement: TNXB is on the minus strand). VCF-style: chr6-32095730-C-T. GRCh37 (hg19) VCF-style: chr6-32063507-C-T.
Other names: c.2123G>A, p.Gly708Asp (NM_019105.8); short protein forms G708D.
Identifiers: ClinVar variation 1305485 (VCV001305485.2), dbSNP rs755223032, ClinGen allele CA3735551.